The following is an entry in ClinVar:

ClinVar aggregate classification (germline): Uncertain significance (1 of 4 stars; one submission).

Allele frequency attached by ClinVar (database versions not stated): gnomAD 0.00001; gnomAD exomes 0.00001 and 0.00003; TOPMed 0.00001; ExAC 0.00006; ESP Exome Variant Server 0.00008; 1000 Genomes Project 30x 0.00016.
gnomAD v4.1: 17 of 1,607,160 alleles (0.0011%); highest among the groups gnomAD compares: South Asian, 0.0045%; no homozygotes.

Submission:

Labcorp Genetics (formerly Invitae), Labcorp
Classification: Uncertain significance. Last evaluated: 2024-02-24. Review status: criteria provided, single submitter. Criteria: Invitae Variant Classification Sherloc (09022015). Collection method: clinical testing. Allele origin: germline.
Comment: This sequence change replaces asparagine, which is neutral and polar, with serine, which is neutral and polar, at codon 141 of the DGAT1 protein (p.Asn141Ser). This variant is present in population databases (rs150538509, gnomAD 0.01%). This variant has not been reported in the literature in individuals affected with DGAT1-related conditions. ClinVar contains an entry for this variant (Variation ID: 1447893). Advanced modeling of protein sequence and biophysical properties (such as structural, functional, and spatial information, amino acid conservation, physicochemical variation, residue mobility, and thermodynamic stability) performed at Invitae indicates that this missense variant is not expected to disrupt DGAT1 protein function with a negative predictive value of 80%. In summary, the available evidence is currently insufficient to determine the role of this variant in disease. Therefore, it has been classified as a Variant of Uncertain Significance.

NM_012079.6(DGAT1):c.422A>G (p.Asn141Ser)

Gene: DGAT1 (diacylglycerol O-acyltransferase 1; minus strand). Cytogenetic location: 8q24.3.
Variant type: single nucleotide variant.
Coding change: c.422A>G on transcript NM_012079.6 (MANE Select); coding-DNA position 422, A replaced by G.
Protein change: p.Asn141Ser; replaces asparagine 141 with serine.
Molecular consequence: missense variant.
Genome position (GRCh38, 1-based): chr8:144,318,745, T>C on the plus strand (A>G on the coding strand, the complement: DGAT1 is on the minus strand). VCF-style: chr8-144318745-T-C. GRCh37 (hg19) VCF-style: chr8-145542408-T-C.
Other names: short protein forms N141S.
Identifiers: ClinVar variation 1447893 (VCV001447893.4), dbSNP rs150538509, ClinGen allele CA4937047.